The following is an entry in ClinVar:

ClinVar aggregate classification (germline): Conflicting classifications of pathogenicity. Review status: criteria provided, conflicting classifications (1 of 4 stars). 8 submissions from 8 submitters: Uncertain significance (1); Likely benign (4). 3 of the submissions do not count toward it. Last evaluated 2026-01-20.

Conditions:
Inborn genetic diseases. Identifiers: MedGen C0950123, MeSH D030342.
CHARGE syndrome (CHARGE). Also called: Coloboma, heart anomaly, choanal atresia, retardation, genital and ear anomalies; CHARGE association; Hall-Hittner syndrome; CHARGE ASSOCIATION--COLOBOMA, HEART ANOMALY, CHOANAL ATRESIA, RETARDATION, GENITAL AND EAR ANOMALIES; Hittner Hirsch Kreh syndrome. Identifiers: Orphanet 138, MedGen C0265354, MONDO:0008965.

Allele frequency attached by ClinVar (database versions not stated): ExAC 0.00002; gnomAD exomes 0.00003 and 0.00004; TOPMed 0.00003; 1000 Genomes Project 0.00020; gnomAD 0.00004; 1000 Genomes Project 30x 0.00016.
gnomAD v4.1: 51 of 1,613,692 alleles (0.0032%); highest among the groups gnomAD compares: Middle Eastern, 0.033%; no homozygotes.

Submissions (8):

Labcorp Genetics (formerly Invitae), Labcorp
Classification: Likely benign for CHARGE syndrome. Last evaluated: 2026-01-20. Review status: criteria provided, single submitter. Criteria: Invitae Variant Classification Sherloc (09022015). Collection method: clinical testing. Allele origin: germline.

CeGaT Center for Human Genetics Tuebingen
Classification: Likely benign. Last evaluated: 2025-06-01. Review status: criteria provided, single submitter. Criteria: CeGaT Center For Human Genetics Tuebingen Variant Classification Criteria Version 2. Collection method: clinical testing. Allele origin: germline. Affected: yes. Observed: 1 variant allele.
Comment: CHD7: BP4, BP7

Blueprint Genetics
Classification: Likely benign. Last evaluated: 2023-12-29. Review status: criteria provided, single submitter. Criteria: ACMG Guidelines, 2015. Collection method: clinical testing. Allele origin: germline.

Ambry Genetics
Classification: Likely benign for Inborn genetic diseases. Last evaluated: 2019-08-20. Review status: criteria provided, single submitter. Criteria: Ambry Variant Classification Scheme 2023. Collection method: clinical testing. Allele origin: germline.

Eurofins Ntd Llc (ga)
Classification: Uncertain significance. Last evaluated: 2014-07-07. Review status: criteria provided, single submitter. Criteria: EGL Classification Definitions 2015. Collection method: clinical testing. Allele origin: germline. Observed: 1 variant allele, 1 heterozygote.

Clinical Genetics DNA and cytogenetics Diagnostics Lab, Erasmus MC, Erasmus Medical Center
Classification: Likely benign. Review status: no assertion criteria provided. Collection method: clinical testing. Allele origin: germline. Affected: yes. Study: VKGL Data-share Consensus. Not counted in ClinVar's aggregate classification.

Clinical Genetics, Academic Medical Center
Classification: Benign. Review status: no assertion criteria provided. Collection method: clinical testing. Allele origin: germline. Affected: yes. Study: VKGL Data-share Consensus. Not counted in ClinVar's aggregate classification.

Diagnostic Laboratory, Department of Genetics, University Medical Center Groningen
Classification: Likely benign. Review status: no assertion criteria provided. Collection method: clinical testing. Allele origin: germline. Affected: yes. Study: VKGL Data-share Consensus. Not counted in ClinVar's aggregate classification.

NM_017780.4(CHD7):c.1170T>C (p.Tyr390=)

Gene: CHD7 (chromodomain helicase DNA binding protein 7; plus strand). Cytogenetic location: 8q12.2.
Variant type: single nucleotide variant.
Coding change: c.1170T>C on transcript NM_017780.4 (MANE Select); coding-DNA position 1170, T replaced by C.
Protein change: p.Tyr390=; no amino-acid change (tyrosine 390 retained).
Molecular consequence: synonymous variant.
Genome position (GRCh38, 1-based): chr8:60,742,602, T>C. VCF-style: chr8-60742602-T-C. GRCh37 (hg19) VCF-style: chr8-61655161-T-C.
Other names: c.1170T>C, p.Tyr390= (NM_001316690.1).
Identifiers: ClinVar variation 195328 (VCV000195328.32), dbSNP rs554737227, ClinGen allele CA241714.